The following is an entry in ClinVar:

NM_000051.4(ATM):c.8074T>A (p.Leu2692Ile)

Genes: ATM (ATM serine/threonine kinase; plus strand), C11orf65 (chromosome 11 open reading frame 65; minus strand). Cytogenetic location: 11q22.3.
Variant type: single nucleotide variant.
Coding change: c.8074T>A on transcript NM_000051.4 (MANE Select); coding-DNA position 8074, T replaced by A.
Protein change: p.Leu2692Ile; replaces leucine 2692 with isoleucine.
Molecular consequence: missense variant. On other transcripts: intron variant (2).
Genome position (GRCh38, 1-based): chr11:108,335,032, T>A. VCF-style: chr11-108335032-T-A. GRCh37 (hg19) VCF-style: chr11-108205759-T-A.
Other names: c.8074T>A, p.Leu2692Ile (NM_001351834.2); c.641-25961A>T (NM_001330368.2); c.*38+188A>T (NM_001351110.2); short protein forms L2692I.
Identifiers: ClinVar variation 4866723 (VCV004866723.1).

ClinVar aggregate classification (germline): Uncertain significance (1 of 4 stars; one submission).

Conditions:
Hereditary cancer-predisposing syndrome. Also called: Tumor predisposition; Hereditary neoplastic syndrome; Hereditary Cancer Syndrome; Neoplastic Syndromes, Hereditary. Identifiers: Orphanet 140162, MedGen C0027672, MeSH D009386, MONDO:0015356.

Submission:

Ambry Genetics
Classification: Uncertain significance for Hereditary cancer-predisposing syndrome. Last evaluated: 2026-05-13. Review status: criteria provided, single submitter. Criteria: Ambry Variant Classification Scheme 2023. Collection method: clinical testing. Allele origin: germline.
Comment: The p.L2692I variant (also known as c.8074T>A), located in coding exon 54 of the ATM gene, results from a T to A substitution at nucleotide position 8074. The leucine at codon 2692 is replaced by isoleucine, an amino acid with highly similar properties. This amino acid position is highly conserved in available vertebrate species. In addition, the in silico prediction for this alteration is inconclusive. Based on the available evidence, the clinical significance of this variant remains unclear.